The following is an entry in ClinVar:

NM_020458.4(TTC7A):c.2017+371A>T

Gene: TTC7A (tetratricopeptide repeat domain 7A; plus strand). Cytogenetic location: 2p21.
Variant type: single nucleotide variant.
Coding change: c.2017+371A>T on transcript NM_020458.4 (MANE Select); 371 bases into the intron after coding-DNA position 2017, A replaced by T.
Molecular consequence: intron variant.
Genome position (GRCh38, 1-based): chr2:47,050,417, A>T. VCF-style: chr2-47050417-A-T. GRCh37 (hg19) VCF-style: chr2-47277556-A-T.
Other names: c.1915+371A>T (NM_001288953.2); c.2089+371A>T (NM_001288951.2); c.955+371A>T (NM_001288955.2).
Identifiers: ClinVar variation 2688276 (VCV002688276.2), dbSNP rs17036164, ClinGen allele CA11151388.

ClinVar aggregate classification (germline): Benign (1 of 4 stars; one submission).

Allele frequency attached by ClinVar (database versions not stated): gnomAD exomes 0.08067; gnomAD 0.10511; TOPMed 0.11802; 1000 Genomes Project 30x 0.21205; 1000 Genomes Project 0.22125.
gnomAD v4.1: 19,506 of 196,568 alleles (9.9%); highest among the groups gnomAD compares: East Asian, 43%; 2,087 homozygotes.

Submission:

Unidad de Genómica Garrahan, Hospital de Pediatría Garrahan
Classification: Benign. Last evaluated: 2024-01-24. Review status: criteria provided, single submitter. Criteria: ACMG Guidelines, 2015. Collection method: clinical testing. Allele origin: germline. Affected: no. Observed: 26 variant alleles.
Comment: This variant is classified as Benign based on local population frequency. This variant was detected in 27% of patients studied by a panel of primary immunodeficiencies. Number of patients: 26. Only high quality variants are reported.